The following is an entry in ClinVar:

ClinVar aggregate classification (germline): Uncertain significance (1 of 4 stars; one submission).

Submission:

GeneDx
Classification: Uncertain significance. Last evaluated: 2026-02-21. Review status: criteria provided, single submitter. Criteria: GeneDx Variant Classification Process June 2021. Collection method: clinical testing. Allele origin: germline.
Comment: Not observed at significant frequency in large population cohorts (gnomAD); In silico analysis supports that this missense variant has a deleterious effect on protein structure/function; Has not been previously published as pathogenic or benign to our knowledge; This variant is associated with the following publications: (PMID: 25512093, 25609763, 26100331)

NM_001376.5(DYNC1H1):c.7013A>G (p.Asn2338Ser)

Gene: DYNC1H1 (dynein cytoplasmic 1 heavy chain 1; plus strand). Cytogenetic location: 14q32.31.
Variant type: single nucleotide variant.
Coding change: c.7013A>G on transcript NM_001376.5 (MANE Select); coding-DNA position 7013, A replaced by G.
Protein change: p.Asn2338Ser; replaces asparagine 2338 with serine.
Molecular consequence: missense variant.
Genome position (GRCh38, 1-based): chr14:102,012,469, A>G. VCF-style: chr14-102012469-A-G. GRCh37 (hg19) VCF-style: chr14-102478806-A-G.
Other names: short protein forms N2338S.
Identifiers: ClinVar variation 5009722 (VCV005009722.1).
Genomic context (GRCh38, chr14:102,012,469, plus strand): 5'-TGCTGGATGACAATAAGCTCCTAACTTTGCCCAATGGAGAGCGCCTCAGTCTTCCACCCA[A>G]TGTAAGTAGCCTTTTGTATGTCGTCAACTGAATAATTCCTTTTGGCCAACTAAACTTCGT-3'
Protein context (NP_001367.2, residues 2328-2348): PNGERLSLPP[Asn2338Ser]VRIMFEVQDL